The following is an entry in ClinVar:

ClinVar aggregate classification (germline): Uncertain significance. Review status: criteria provided, multiple submitters, no conflicts (2 of 4 stars). 2 submissions from 2 submitters: Uncertain significance (2). Last evaluated 2025-08-20.

Conditions:
Progressive encephalopathy with leukodystrophy due to DECR deficiency. Identifiers: Orphanet 431361, MedGen C1857252, MONDO:0014464, OMIM 616034.
Inborn genetic diseases. Identifiers: MedGen C0950123, MeSH D030342.

Allele frequency attached by ClinVar (database versions not stated): TOPMed below 0.00001; gnomAD exomes 0.00002.
gnomAD v4.1: 35 of 1,614,054 alleles (0.0022%); highest among the groups gnomAD compares: Non-Finnish European, 0.0029%; no homozygotes.

Submissions (2):

Ambry Genetics
Classification: Uncertain significance for Inborn genetic diseases. Last evaluated: 2025-08-20. Review status: criteria provided, single submitter. Criteria: Ambry Variant Classification Scheme 2023. Collection method: clinical testing. Allele origin: germline.

Labcorp Genetics (formerly Invitae), Labcorp
Classification: Uncertain significance for Progressive encephalopathy with leukodystrophy due to DECR deficiency. Last evaluated: 2025-07-06. Review status: criteria provided, single submitter. Criteria: Invitae Variant Classification Sherloc (09022015). Collection method: clinical testing. Allele origin: germline.
Comment: This sequence change replaces glutamine, which is neutral and polar, with arginine, which is basic and polar, at codon 241 of the NADK2 protein (p.Gln241Arg). This variant is not present in population databases (gnomAD no frequency). This variant has not been reported in the literature in individuals affected with NADK2-related conditions. ClinVar contains an entry for this variant (Variation ID: 2059114). Invitae Evidence Modeling of protein sequence and biophysical properties (such as structural, functional, and spatial information, amino acid conservation, physicochemical variation, residue mobility, and thermodynamic stability) indicates that this missense variant is not expected to disrupt NADK2 protein function with a negative predictive value of 80%. In summary, the available evidence is currently insufficient to determine the role of this variant in disease. Therefore, it has been classified as a Variant of Uncertain Significance.

NM_001085411.3(NADK2):c.722A>G (p.Gln241Arg)

Gene: NADK2 (NAD kinase 2, mitochondrial; minus strand). Cytogenetic location: 5p13.2.
Variant type: single nucleotide variant.
Coding change: c.722A>G on transcript NM_001085411.3 (MANE Select); coding-DNA position 722, A replaced by G.
Protein change: p.Gln241Arg; replaces glutamine 241 with arginine.
Molecular consequence: missense variant.
Genome position (GRCh38, 1-based): chr5:36,217,807, T>C on the plus strand (A>G on the coding strand, the complement: NADK2 is on the minus strand). VCF-style: chr5-36217807-T-C. GRCh37 (hg19) VCF-style: chr5-36217909-T-C.
Other names: c.233A>G, p.Gln78Arg (NM_001287340.2, NM_001287341.2, NM_153013.5); c.722A>G (NM_001085411.1); short protein forms Q78R, Q241R.
Identifiers: ClinVar variation 2059114 (VCV002059114.5), dbSNP rs1747104106, ClinGen allele CA359455276.